The following is an entry in ClinVar:

ClinVar aggregate classification (germline): Likely benign. Review status: criteria provided, multiple submitters, no conflicts (2 of 4 stars). 3 submissions from 3 submitters: Likely benign (2). 1 of the submissions does not count toward it. Last evaluated 2026-01-26.

Conditions:
FLAD1-related disorder. Also called: FLAD1-related condition.

Allele frequency attached by ClinVar (database versions not stated): gnomAD exomes 0.00013 and 0.00032; ExAC 0.00032; gnomAD 0.00074; ESP Exome Variant Server 0.00085; TOPMed 0.00085; 1000 Genomes Project 0.00180; 1000 Genomes Project 30x 0.00187.

Submissions (3):

Labcorp Genetics (formerly Invitae), Labcorp
Classification: Likely benign. Last evaluated: 2026-01-26. Review status: criteria provided, single submitter. Criteria: Invitae Variant Classification Sherloc (09022015). Collection method: clinical testing. Allele origin: germline.

GeneDx
Classification: Likely benign. Last evaluated: 2020-07-22. Review status: criteria provided, single submitter. Criteria: GeneDx Variant Classification Process June 2021. Collection method: clinical testing. Allele origin: germline. Affected: yes.

PreventionGenetics, part of Exact Sciences
Classification: Likely benign for FLAD1-related condition. Last evaluated: 2022-12-01. Review status: no assertion criteria provided. Collection method: clinical testing. Allele origin: germline. Not counted in ClinVar's aggregate classification.
Comment: This variant is classified as likely benign based on ACMG/AMP sequence variant interpretation guidelines (Richards et al. 2015 PMID: 25741868, with internal and published modifications).

NM_025207.5(FLAD1):c.640G>A (p.Gly214Arg)

Gene: FLAD1 (flavin adenine dinucleotide synthetase 1; plus strand). Cytogenetic location: 1q21.3.
Variant type: single nucleotide variant.
Coding change: c.640G>A on transcript NM_025207.5 (MANE Select); coding-DNA position 640, G replaced by A.
Protein change: p.Gly214Arg; replaces glycine 214 with arginine.
Molecular consequence: missense variant.
Genome position (GRCh38, 1-based): chr1:154,988,372, G>A. VCF-style: chr1-154988372-G-A. GRCh37 (hg19) VCF-style: chr1-154960848-G-A.
Other names: c.349G>A, p.Gly117Arg (NM_001184891.2, NM_201398.3); c.343G>A, p.Gly115Arg (NM_001184892.2); short protein forms G117R, G214R, G115R.
Identifiers: ClinVar variation 726018 (VCV000726018.14), dbSNP rs145054820, ClinGen allele CA1134363.
Genomic context (GRCh38, chr1:154,988,372, plus strand): 5'-GCCTTTGGAGATGAGCTGAAGCCACACCCCAAGTTGGAAGCAGCCACCAAAGCCCTAGGA[G>A]GGGAAGGCTGGGAGAAGCTATCATTGGTGCCCTCCTCTGCCCGCCTGCATTATGGCACAG-3'
Protein context (NP_079483.3, residues 204-224): KLEAATKALG[Gly214Arg]EGWEKLSLVP